The following is an entry in ClinVar:

ClinVar aggregate classification (germline): Uncertain significance (1 of 4 stars; one submission).

Submission:

GeneDx
Classification: Uncertain significance. Last evaluated: 2025-06-16. Review status: criteria provided, single submitter. Criteria: GeneDx Variant Classification Process June 2021. Collection method: clinical testing. Allele origin: germline. Affected: yes.
Comment: Not observed at significant frequency in large population cohorts (gnomAD); In silico analysis supports that this missense variant has a deleterious effect on protein structure/function; Has not been previously published as pathogenic or benign to our knowledge

NM_003128.3(SPTBN1):c.2066G>A (p.Gly689Asp)

Gene: SPTBN1 (spectrin beta, non-erythrocytic 1; plus strand). Cytogenetic location: 2p16.2.
Variant type: single nucleotide variant.
Coding change: c.2066G>A on transcript NM_003128.3 (MANE Select); coding-DNA position 2066, G replaced by A.
Protein change: p.Gly689Asp; replaces glycine 689 with aspartic acid.
Molecular consequence: missense variant.
Genome position (GRCh38, 1-based): chr2:54,629,200, G>A. VCF-style: chr2-54629200-G-A. GRCh37 (hg19) VCF-style: chr2-54856337-G-A.
Other names: c.2027G>A, p.Gly676Asp (NM_178313.3); short protein forms G676D, G689D.
Identifiers: ClinVar variation 4538803 (VCV004538803.1).